The following is an entry in ClinVar:

ClinVar aggregate classification (germline): Pathogenic (1 of 4 stars; one submission).

Conditions:
Inborn genetic diseases. Identifiers: MedGen C0950123, MeSH D030342.

Submission:

Ambry Genetics
Classification: Pathogenic for Inborn genetic diseases. Last evaluated: 2024-11-15. Review status: criteria provided, single submitter. Criteria: Ambry Variant Classification Scheme 2023. Collection method: clinical testing. Allele origin: germline.
Comment: The c.6348delA (p.A2117Lfs*4) alteration, located in exon 26 (coding exon 26) of the KMT2A gene, consists of a deletion of one nucleotide at position 6348, causing a translational frameshift with a predicted alternate stop codon after 4 amino acids. This alteration is expected to result in loss of function by premature protein truncation or nonsense-mediated mRNA decay. This variant was not reported in population-based cohorts in the Genome Aggregation Database (gnomAD). Based on the available evidence, this alteration is classified as pathogenic.

NM_001197104.2(KMT2A):c.6348del (p.Ala2117fs)

Gene: KMT2A (lysine methyltransferase 2A; plus strand). Cytogenetic location: 11q23.3.
Variant type: Deletion.
Coding change: c.6348del on transcript NM_001197104.2 (MANE Select); coding-DNA position 6348, one base deleted (A; older notation c.6348delA).
Protein change: p.Ala2117fs; shifts the reading frame from alanine 2117.
Molecular consequence: frameshift variant.
Genome position (GRCh38, 1-based): chr11:118,501,700, A deleted. VCF-style (leftmost placement, unchanged base first): chr11-118501699-CA-C. GRCh37 (hg19) VCF-style: chr11-118372414-CA-C.
Other names: c.6438del, p.Ala2147fs (NM_001412597.1); c.6339del, p.Ala2114fs (NM_005933.4); short protein forms A2114fs, A2117fs, A2147fs.
Identifiers: ClinVar variation 3535452 (VCV003535452.1).